The following is an entry in ClinVar:

ClinVar aggregate classification (germline): Uncertain significance. Review status: criteria provided, single submitter (1 of 4 stars). 2 submissions from 2 submitters: Uncertain significance (1). 1 of the submissions does not count toward it. Last evaluated 2024-11-05.

Conditions:
Neu-Laxova syndrome 2. Identifiers: Orphanet 2671, Orphanet 583602, MedGen C4015019, MONDO:0014466, OMIM 616038.

Allele frequency attached by ClinVar (database versions not stated): gnomAD exomes below 0.00001; ExAC 0.00001; gnomAD 0.00001; TOPMed 0.00002.

Submissions (2):

Labcorp Genetics (formerly Invitae), Labcorp
Classification: Uncertain significance for Neu-Laxova syndrome 2. Last evaluated: 2024-11-05. Review status: criteria provided, single submitter. Criteria: Invitae Variant Classification Sherloc (09022015). Collection method: clinical testing. Allele origin: germline.
Comment: This sequence change replaces isoleucine, which is neutral and non-polar, with threonine, which is neutral and polar, at codon 165 of the PSAT1 protein (p.Ile165Thr). This variant is present in population databases (rs751138256, gnomAD 0.0009%). This variant has not been reported in the literature in individuals affected with PSAT1-related conditions. ClinVar contains an entry for this variant (Variation ID: 976945). Invitae Evidence Modeling of protein sequence and biophysical properties (such as structural, functional, and spatial information, amino acid conservation, physicochemical variation, residue mobility, and thermodynamic stability) indicates that this missense variant is not expected to disrupt PSAT1 protein function with a negative predictive value of 80%. Experimental studies have shown that this missense change does not substantially affect PSAT1 function (PMID: 32077105). In summary, the available evidence is currently insufficient to determine the role of this variant in disease. Therefore, it has been classified as a Variant of Uncertain Significance.

Dudley Research Group, Pacific Northwest Research Institute
No classification provided. Review status: no classification provided. Collection method: research, in vivo. Allele origin: unknown, not applicable. Functional consequence: functionally_normal. Not counted in ClinVar's aggregate classification.

Literature cited by the submitters: PubMed 32077105 (cited by Labcorp Genetics (formerly Invitae), Labcorp).

NM_058179.4(PSAT1):c.494T>C (p.Ile165Thr)

Gene: PSAT1 (phosphoserine aminotransferase 1; plus strand). Cytogenetic location: 9q21.2.
Variant type: single nucleotide variant.
Coding change: c.494T>C on transcript NM_058179.4 (MANE Select); coding-DNA position 494, T replaced by C.
Protein change: p.Ile165Thr; replaces isoleucine 165 with threonine.
Molecular consequence: missense variant.
Genome position (GRCh38, 1-based): chr9:78,306,410, T>C. VCF-style: chr9-78306410-T-C. GRCh37 (hg19) VCF-style: chr9-80921326-T-C.
Other names: c.494T>C, p.Ile165Thr (NM_021154.5); short protein forms I165T.
Identifiers: ClinVar variation 976945 (VCV000976945.5), dbSNP rs751138256, ClinGen allele CA5095640.